The following is an entry in ClinVar:

ClinVar aggregate classification (germline): Pathogenic (1 of 4 stars; one submission).

Conditions:
Cohen syndrome (COH1). Also called: PEPPER SYNDROME; Cutis verticis gyrata, retinitis pigmentosa, and sensorineural deafness. Identifiers: Orphanet 193, MedGen C0265223, MONDO:0008999, OMIM 216550.

Submission:

Labcorp Genetics (formerly Invitae), Labcorp
Classification: Pathogenic for Cohen syndrome. Last evaluated: 2024-04-15. Review status: criteria provided, single submitter. Criteria: Invitae Variant Classification Sherloc (09022015). Collection method: clinical testing. Allele origin: germline.
Comment: This sequence change creates a premature translational stop signal (p.Tyr2749*) in the VPS13B gene. It is expected to result in an absent or disrupted protein product. Loss-of-function variants in VPS13B are known to be pathogenic (PMID: 15141358, 16648375, 20461111). This variant is not present in population databases (gnomAD no frequency). This variant has not been reported in the literature in individuals affected with VPS13B-related conditions. For these reasons, this variant has been classified as Pathogenic.

Literature cited by the submitters: PubMed 15141358; PubMed 16648375; PubMed 20461111.

NM_152564.5(VPS13B):c.8172C>G (p.Tyr2724Ter)

Gene: VPS13B (vacuolar protein sorting 13 homolog B; plus strand). Cytogenetic location: 8q22.2.
Variant type: single nucleotide variant.
Coding change: c.8172C>G on transcript NM_152564.5 (MANE Select); coding-DNA position 8172, C replaced by G.
Protein change: p.Tyr2724Ter; replaces tyrosine 2724 with a stop codon.
Molecular consequence: nonsense.
Genome position (GRCh38, 1-based): chr8:99,817,614, C>G. VCF-style: chr8-99817614-C-G. GRCh37 (hg19) VCF-style: chr8-100829842-C-G.
Other names: c.8247C>G, p.Tyr2749Ter (NM_017890.5); short protein forms Y2724*, Y2749*.
Identifiers: ClinVar variation 3649172 (VCV003649172.2).
Genomic context (GRCh38, chr8:99,817,614, plus strand): 5'-AAGACAGATCATCTGTAGTTACTTGTCTCAAAGCATAGAACTAAAAGTCGTTCAGCATTA[C>G]ATTGGTCAAGATGGACAAGCTGTAGTTCGGGAACATTTTGACTGCCTCACAGCCAAACAG-3'